The following is an entry in ClinVar:

ClinVar aggregate classification (germline): Uncertain significance (1 of 4 stars; one submission).

Conditions:
Hypercholesterolemia, autosomal dominant, type B (FHCL2). Also called: APOB-Related Familial Hypercholesterolemia, Autosomal Dominant; Familial Hypercholesterolemia Type B; APOLIPOPROTEIN B-100, FAMILIAL DEFECTIVE; APOLIPOPROTEIN B-100, FAMILIAL LIGAND-DEFECTIVE; HYPERCHOLESTEROLEMIA, FAMILIAL, DUE TO LIGAND-DEFECTIVE APOLIPOPROTEIN B; Hyperlipoproteinemia Type IIb. Identifiers: MedGen C1704417, MONDO:0007751, OMIM 144010.
Familial hypobetalipoproteinemia 1. Also called: Hypobetalipoproteinemia, normotriglyceridemic; Acanthocytosis with hypobetalipoproteinemia; APOB-Related Familial Hypobetalipoproteinemia. Identifiers: MedGen C4551990, MONDO:0014252, OMIM 615558.

Submission:

Labcorp Genetics (formerly Invitae), Labcorp
Classification: Uncertain significance for Familial hypobetalipoproteinemia 1; Hypercholesterolemia, autosomal dominant, type B. Last evaluated: 2024-01-08. Review status: criteria provided, single submitter. Criteria: Invitae Variant Classification Sherloc (09022015). Collection method: clinical testing. Allele origin: germline.
Comment: This sequence change creates a premature translational stop signal (p.Gln4543*) in the APOB gene. While this is not anticipated to result in nonsense mediated decay, it is expected to disrupt the last 21 amino acid(s) of the APOB protein. This variant is not present in population databases (gnomAD no frequency). This variant has not been reported in the literature in individuals affected with APOB-related conditions. Experimental studies and prediction algorithms are not available or were not evaluated, and the functional significance of this variant is currently unknown. In summary, the available evidence is currently insufficient to determine the role of this variant in disease. Therefore, it has been classified as a Variant of Uncertain Significance.

NM_000384.3(APOB):c.13627C>T (p.Gln4543Ter)

Genes: APOB (apolipoprotein B; minus strand), APOB3'MAR (APOB 3' scaffold/matrix attachment region; plus strand). Cytogenetic location: 2p24.1.
Variant type: single nucleotide variant.
Coding change: c.13627C>T on transcript NM_000384.3 (MANE Select); coding-DNA position 13627, C replaced by T.
Protein change: p.Gln4543Ter; replaces glutamine 4543 with a stop codon.
Molecular consequence: nonsense.
Genome position (GRCh38, 1-based): chr2:21,001,795, G>A on the plus strand (C>T on the coding strand, the complement: APOB is on the minus strand). VCF-style: chr2-21001795-G-A. GRCh37 (hg19) VCF-style: chr2-21224667-G-A.
Other names: short protein forms Q4543*.
Identifiers: ClinVar variation 2950563 (VCV002950563.3), dbSNP rs2465347257, ClinGen allele CA345966927.